The following is an entry in ClinVar:

ClinVar aggregate classification (germline): Uncertain significance (1 of 4 stars; one submission).

Conditions:
Maple syrup urine disease (MSUD). Identifiers: Orphanet 511, MedGen C0024776, MeSH D008375, MONDO:0009563. Disease mechanism: loss of function.

Submission:

Labcorp Genetics (formerly Invitae), Labcorp
Classification: Uncertain significance for Maple syrup urine disease. Last evaluated: 2019-12-01. Review status: criteria provided, single submitter. Criteria: Invitae Variant Classification Sherloc (09022015). Collection method: clinical testing. Allele origin: germline.
Comment: This sequence change replaces threonine with proline at codon 285 of the DBT protein (p.Thr285Pro). The threonine residue is moderately conserved and there is a small physicochemical difference between threonine and proline. This variant is not present in population databases (ExAC no frequency). This variant has not been reported in the literature in individuals with DBT-related conditions. Algorithms developed to predict the effect of missense changes on protein structure and function are either unavailable or do not agree on the potential impact of this missense change (SIFT: "Deleterious"; PolyPhen-2: "Possibly Damaging"; Align-GVGD: "Class C0"). In summary, the available evidence is currently insufficient to determine the role of this variant in disease. Therefore, it has been classified as a Variant of Uncertain Significance.

NM_001918.5(DBT):c.853A>C (p.Thr285Pro)

Gene: DBT (dihydrolipoamide branched chain transacylase E2; minus strand). Cytogenetic location: 1p21.2.
Variant type: single nucleotide variant.
Coding change: c.853A>C on transcript NM_001918.5 (MANE Select); coding-DNA position 853, A replaced by C.
Protein change: p.Thr285Pro; replaces threonine 285 with proline.
Molecular consequence: missense variant.
Genome position (GRCh38, 1-based): chr1:100,214,903, T>G on the plus strand (A>C on the coding strand, the complement: DBT is on the minus strand). VCF-style: chr1-100214903-T-G. GRCh37 (hg19) VCF-style: chr1-100680459-T-G.
Other names: short protein forms T285P.
Identifiers: ClinVar variation 862554 (VCV000862554.9), dbSNP rs1662391542, ClinGen allele CA341337504.